The following is an entry in ClinVar:

ClinVar aggregate classification (germline): Uncertain significance. Review status: criteria provided, multiple submitters, no conflicts (2 of 4 stars). 2 submissions from 2 submitters: Uncertain significance (2). Last evaluated 2025-04-21.

Conditions:
Neurodegeneration with brain iron accumulation 5 (NBIA5). Also called: Beta-propeller protein-associated neurodegeneration; STATIC ENCEPHALOPATHY OF CHILDHOOD WITH NEURODEGENERATION IN ADULTHOOD. Identifiers: Orphanet 329284, MedGen C3550973, MONDO:0010476, OMIM 300894.

Submissions (2):

Women's Health and Genetics/Laboratory Corporation of America, LabCorp
Classification: Uncertain significance. Last evaluated: 2025-04-21. Review status: criteria provided, single submitter. Criteria: LabCorp Variant Classification Summary - May 2015. Collection method: clinical testing. Allele origin: germline.
Comment: Variant summary: WDR45 c.98A>G (p.Asn33Ser) results in a conservative amino acid change in the encoded protein sequence. Three of five in-silico tools predict a benign effect of the variant on protein function. The variant was absent in 182573 control chromosomes. The available data on variant occurrences in the general population are insufficient to allow any conclusion about variant significance. To our knowledge, no occurrence of c.98A>G in individuals affected with Neurodegeneration With Brain Iron Accumulation 5 and no experimental evidence demonstrating its impact on protein function have been reported. ClinVar contains an entry for this variant (Variation ID: 3712266). Based on the evidence outlined above, the variant was classified as uncertain significance.

Labcorp Genetics (formerly Invitae), Labcorp
Classification: Uncertain significance for Neurodegeneration with brain iron accumulation 5. Last evaluated: 2025-01-13. Review status: criteria provided, single submitter. Criteria: Invitae Variant Classification Sherloc (09022015). Collection method: clinical testing. Allele origin: germline.
Comment: This sequence change replaces asparagine, which is neutral and polar, with serine, which is neutral and polar, at codon 33 of the WDR45 protein (p.Asn33Ser). This variant is not present in population databases (gnomAD no frequency). This variant has not been reported in the literature in individuals affected with WDR45-related conditions. Invitae Evidence Modeling of protein sequence and biophysical properties (such as structural, functional, and spatial information, amino acid conservation, physicochemical variation, residue mobility, and thermodynamic stability) indicates that this missense variant is not expected to disrupt WDR45 protein function with a negative predictive value of 80%. In summary, the available evidence is currently insufficient to determine the role of this variant in disease. Therefore, it has been classified as a Variant of Uncertain Significance.

NM_001029896.2(WDR45):c.98A>G (p.Asn33Ser)

Genes: WDR45 (WD repeat domain 45; minus strand), LOC126863256 (BRD4-independent group 4 enhancer GRCh37_chrX:48934848-48936047; plus strand). Cytogenetic location: Xp11.23.
Variant type: single nucleotide variant.
Coding change: c.98A>G on transcript NM_001029896.2 (MANE Select); coding-DNA position 98, A replaced by G.
Protein change: p.Asn33Ser; replaces asparagine 33 with serine.
Molecular consequence: missense variant.
Genome position (GRCh38, 1-based): chrX:49,077,869, T>C on the plus strand (A>G on the coding strand, the complement: WDR45 is on the minus strand). VCF-style: chrX-49077869-T-C. GRCh37 (hg19) VCF-style: chrX-48935528-T-C.
Other names: c.98A>G, p.Asn33Ser (NM_007075.4); short protein forms N33S.
Identifiers: ClinVar variation 3712266 (VCV003712266.4).